The following is an entry in ClinVar:

ClinVar aggregate classification (germline): Uncertain significance (1 of 4 stars; one submission).

Conditions:
Dyskeratosis congenita, autosomal dominant 1 (DKCA1). Also called: Dyskeratosis congenita Scoggins type. Identifiers: Orphanet 1775, MedGen C4551974, MONDO:0007485, OMIM 127550. Inheritance: Variable.

Allele frequency attached by ClinVar (database versions not stated): gnomAD exomes 0.00001; ExAC 0.00002.
gnomAD v4.1: 8 of 764,998 alleles (0.001%); highest among the groups gnomAD compares: South Asian, 0.0094%; no homozygotes.

Submission:

Labcorp Genetics (formerly Invitae), Labcorp
Classification: Uncertain significance for Dyskeratosis congenita, autosomal dominant 1. Last evaluated: 2022-12-04. Review status: criteria provided, single submitter. Criteria: Invitae Variant Classification Sherloc (09022015). Collection method: clinical testing. Allele origin: germline.
Comment: In summary, the available evidence is currently insufficient to determine the role of this variant in disease. Therefore, it has been classified as a Variant of Uncertain Significance. This variant is located in a region of TERC in which a significant number of disease causing variants have been reported (PMID: 15082312, 21844345, 21931702). These observations suggest that this may be a clinically significant region. This variant is located within the template/pseudoknot domain of the TERC RNA component, which is required for RNA or RNP stability (PMID: 15082312, 21844345). ClinVar contains an entry for this variant (Variation ID: 660529). This variant has not been reported in the literature in individuals affected with TERC-related conditions. This variant is present in population databases (rs747522689, gnomAD 0.01%). This variant occurs in the TERC gene, which encodes an RNA molecule that does not result in a protein product.

Literature cited by the submitters: PubMed 15082312; PubMed 21844345; PubMed 21931702.

NC_000003.12:g.169764901G>A

Genes: TERC (telomerase RNA component; minus strand), LOC110806306 (telomerase RNA component (TERC) promoter; plus strand). Cytogenetic location: 3q26.2.
Variant type: single nucleotide variant.
Genome position: GRCh38 VCF-style: chr3-169764901-G-A. GRCh37 (hg19) VCF-style: chr3-169482689-G-A.
Identifiers: ClinVar variation 660529 (VCV000660529.9), dbSNP rs747522689, ClinGen allele CA2696817.